The following is an entry in ClinVar:

NM_032444.4(SLX4):c.2723C>T (p.Pro908Leu)

Gene: SLX4 (SLX4 structure-specific endonuclease subunit; minus strand). Cytogenetic location: 16p13.3.
Variant type: single nucleotide variant.
Coding change: c.2723C>T on transcript NM_032444.4 (MANE Select); coding-DNA position 2723, C replaced by T.
Protein change: p.Pro908Leu; replaces proline 908 with leucine.
Molecular consequence: missense variant.
Genome position (GRCh38, 1-based): chr16:3,590,915, G>A on the plus strand (C>T on the coding strand, the complement: SLX4 is on the minus strand). VCF-style: chr16-3590915-G-A. GRCh37 (hg19) VCF-style: chr16-3640916-G-A.
Other names: short protein forms P908L.
Identifiers: ClinVar variation 2155942 (VCV002155942.3), dbSNP rs767927663, ClinGen allele CA7866091.

ClinVar aggregate classification (germline): Uncertain significance (1 of 4 stars; one submission).

Conditions:
Fanconi anemia (FA). Also called: Fanconi's anemia. Identifiers: Orphanet 84, MedGen C0015625, MeSH D005199, MONDO:0019391.

Allele frequency attached by ClinVar (database versions not stated): ExAC 0.00001; gnomAD exomes 0.00001; TOPMed 0.00001; gnomAD 0.00003.
gnomAD v4.1: 15 of 1,613,902 alleles (0.00093%); highest among the groups gnomAD compares: African/African-American, 0.004%; no homozygotes.

Submission:

Labcorp Genetics (formerly Invitae), Labcorp
Classification: Uncertain significance for Fanconi anemia. Last evaluated: 2025-06-02. Review status: criteria provided, single submitter. Criteria: Invitae Variant Classification Sherloc (09022015). Collection method: clinical testing. Allele origin: germline.
Comment: This sequence change replaces proline, which is neutral and non-polar, with leucine, which is neutral and non-polar, at codon 908 of the SLX4 protein (p.Pro908Leu). This variant is present in population databases (rs767927663, gnomAD 0.007%). This variant has not been reported in the literature in individuals affected with SLX4-related conditions. ClinVar contains an entry for this variant (Variation ID: 2155942). An algorithm developed to predict the effect of missense changes on protein structure and function outputs the following: PolyPhen-2: "Benign". The leucine amino acid residue is found in multiple mammalian species, which suggests that this missense change does not adversely affect protein function. In summary, the available evidence is currently insufficient to determine the role of this variant in disease. Therefore, it has been classified as a Variant of Uncertain Significance.